The following is an entry in ClinVar:

NM_201384.3(PLEC):c.11867G>T (p.Gly3956Val)

Gene: PLEC (plectin; minus strand). Cytogenetic location: 8q24.3.
Variant type: single nucleotide variant.
Coding change: c.11867G>T on transcript NM_201384.3 (MANE Select); coding-DNA position 11867, G replaced by T.
Protein change: p.Gly3956Val; replaces glycine 3956 with valine.
Molecular consequence: missense variant.
Genome position (GRCh38, 1-based): chr8:143,917,954, C>A on the plus strand (G>T on the coding strand, the complement: PLEC is on the minus strand). VCF-style: chr8-143917954-C-A. GRCh37 (hg19) VCF-style: chr8-144992122-C-A.
Other names: c.11801G>T, p.Gly3934Val (NM_201379.3); c.12278G>T, p.Gly4093Val (NM_201380.4); c.11771G>T, p.Gly3924Val (NM_201381.3); c.11867G>T, p.Gly3956Val (NM_201382.4); c.11879G>T, p.Gly3960Val (NM_201383.3); c.11948G>T, p.Gly3983Val (NM_000445.5); c.8567G>T, p.Gly2856Val (NM_001410941.1); c.11825G>T, p.Gly3942Val (NM_201378.4); short protein forms G3924V, G3934V, G3983V, G2856V, G3956V, G4093V, G3960V, G3942V.
Identifiers: ClinVar variation 1922478 (VCV001922478.5), dbSNP rs1554673582, ClinGen allele CA372487752.
Genomic context (GRCh38, chr8:143,917,954, plus strand): 5'-ACGTAACCGGTGGCCGCCTGCGCCTCCAGGAGCTCAAAGGCTGTGCCGGGGCGGATGATG[C>A]CCTTCTTCATGGCCTGGTACACCGAGAGCCGTTCCTTGGTGGCGTCCACGAAGACACCAG-3'
Protein context (NP_958786.1, residues 3946-3966): RLSVYQAMKK[Gly3956Val]IIRPGTAFEL

ClinVar aggregate classification (germline): Uncertain significance (1 of 4 stars; one submission).

Conditions:
Epidermolysis bullosa simplex 5B, with muscular dystrophy (EBS5B). Also called: Epidermolysis bullosa simplex with muscular dystrophy; EPIDERMOLYSIS BULLOSA SIMPLEX AND LIMB-GIRDLE MUSCULAR DYSTROPHY. Identifiers: Orphanet 257, MedGen C2931072, MONDO:0009181, OMIM 226670.
Epidermolysis bullosa simplex, Ogna type (EBS5A). Also called: EPIDERMOLYSIS BULLOSA SIMPLEX 5A, OGNA TYPE; Pidermolysis bullosa simplex 5A, Ogna type. Identifiers: Orphanet 79401, MedGen C0432317, MONDO:0007555, OMIM 131950.
Epidermolysis bullosa simplex 5C, with pyloric atresia (EBS5C). Also called: PLEC-Related Epidermolysis Bullosa with Pyloric Atresia; Epidermolysis bullosa simplex with pyloric atresia; PLEC1-Related Epidermolysis Bullosa with Pyloric Atresia. Identifiers: Orphanet 158684, MedGen C2677349, MONDO:0012807, OMIM 612138.
Epidermolysis bullosa simplex with nail dystrophy (EBS5D). Identifiers: MedGen C4225309, MONDO:0014661, OMIM 616487.
Autosomal recessive limb-girdle muscular dystrophy type 2Q (LGMDR17). Also called: MUSCULAR DYSTROPHY, LIMB-GIRDLE, AUTOSOMAL RECESSIVE 17. Identifiers: Orphanet 254361, MedGen C3150989, MONDO:0013390, OMIM 613723.

Allele frequency attached by ClinVar (database versions not stated): gnomAD exomes below 0.00001.
gnomAD v4.1: 2 of 1,612,956 alleles (0.00012%); highest among the groups gnomAD compares: African/African-American, 0.0027%; no homozygotes.

Submission:

Labcorp Genetics (formerly Invitae), Labcorp
Classification: Uncertain significance for Autosomal recessive limb-girdle muscular dystrophy type 2Q; Epidermolysis bullosa simplex, Ogna type; Epidermolysis bullosa simplex with nail dystrophy; Epidermolysis bullosa simplex 5C, with pyloric atresia; Epidermolysis bullosa simplex 5B, with muscular dystrophy. Last evaluated: 2023-12-11. Review status: criteria provided, single submitter. Criteria: Invitae Variant Classification Sherloc (09022015). Collection method: clinical testing. Allele origin: germline.
Comment: This sequence change replaces glycine, which is neutral and non-polar, with valine, which is neutral and non-polar, at codon 3983 of the PLEC protein (p.Gly3983Val). This variant is not present in population databases (gnomAD no frequency). This variant has not been reported in the literature in individuals affected with PLEC-related conditions. ClinVar contains an entry for this variant (Variation ID: 1922478). Advanced modeling of protein sequence and biophysical properties (such as structural, functional, and spatial information, amino acid conservation, physicochemical variation, residue mobility, and thermodynamic stability) performed at Invitae indicates that this missense variant is expected to disrupt PLEC protein function with a positive predictive value of 80%. In summary, the available evidence is currently insufficient to determine the role of this variant in disease. Therefore, it has been classified as a Variant of Uncertain Significance.